The following is an entry in ClinVar:

ClinVar aggregate classification (germline): Uncertain significance. Review status: criteria provided, multiple submitters, no conflicts (2 of 4 stars). 2 submissions from 2 submitters: Uncertain significance (2). Last evaluated 2025-12-02.

Conditions:
Inborn genetic diseases. Identifiers: MedGen C0950123, MeSH D030342.

Allele frequency attached by ClinVar (database versions not stated): gnomAD 0.00001; TOPMed 0.00001; gnomAD exomes 0.00002; ExAC 0.00003.
gnomAD v4.1: 24 of 1,598,024 alleles (0.0015%); highest among the groups gnomAD compares: Admixed American, 0.0051%; no homozygotes.

Submissions (2):

Ambry Genetics
Classification: Uncertain significance for Inborn genetic diseases. Last evaluated: 2025-12-02. Review status: criteria provided, single submitter. Criteria: Ambry Variant Classification Scheme 2023. Collection method: clinical testing. Allele origin: germline.

Labcorp Genetics (formerly Invitae), Labcorp
Classification: Uncertain significance. Last evaluated: 2025-09-24. Review status: criteria provided, single submitter. Criteria: Invitae Variant Classification Sherloc (09022015). Collection method: clinical testing. Allele origin: germline.
Comment: This sequence change replaces glycine, which is neutral and non-polar, with alanine, which is neutral and non-polar, at codon 6 of the BRD4 protein (p.Gly6Ala). This variant is present in population databases (rs199609038, gnomAD 0.007%). This variant has not been reported in the literature in individuals affected with BRD4-related conditions. ClinVar contains an entry for this variant (Variation ID: 2710413). Experimental studies and prediction algorithms are not available or were not evaluated, and the functional significance of this variant is currently unknown. In summary, the available evidence is currently insufficient to determine the role of this variant in disease. Therefore, it has been classified as a Variant of Uncertain Significance.

NM_001379291.1(BRD4):c.17G>C (p.Gly6Ala)

Gene: BRD4 (bromodomain containing 4; minus strand). Cytogenetic location: 19p13.12.
Variant type: single nucleotide variant.
Coding change: c.17G>C on transcript NM_001379291.1 (MANE Select); coding-DNA position 17, G replaced by C.
Protein change: p.Gly6Ala; replaces glycine 6 with alanine.
Molecular consequence: missense variant.
Genome position (GRCh38, 1-based): chr19:15,273,083, C>G on the plus strand (G>C on the coding strand, the complement: BRD4 is on the minus strand). VCF-style: chr19-15273083-C-G. GRCh37 (hg19) VCF-style: chr19-15383894-C-G.
Other names: c.17G>C, p.Gly6Ala (NM_001330384.2, NM_001379292.1, NM_014299.3 and 1 more transcripts); c.17G>C (NM_058243.2); short protein forms G6A.
Identifiers: ClinVar variation 2710413 (VCV002710413.4), dbSNP rs199609038, ClinGen allele CA9265729.